The following is an entry in ClinVar:

NM_019066.5(MAGEL2):c.2979G>A (p.Val993=)

Gene: MAGEL2 (MAGE family member L2; minus strand). Cytogenetic location: 15q11.2.
Variant type: single nucleotide variant.
Coding change: c.2979G>A on transcript NM_019066.5 (MANE Select); coding-DNA position 2979, G replaced by A.
Protein change: p.Val993=; no amino-acid change (valine 993 retained).
Molecular consequence: synonymous variant.
Genome position (GRCh38, 1-based): chr15:23,644,764, C>T on the plus strand (G>A on the coding strand, the complement: MAGEL2 is on the minus strand). VCF-style: chr15-23644764-C-T. GRCh37 (hg19) VCF-style: chr15-23889911-C-T.
Identifiers: ClinVar variation 2855757 (VCV002855757.3), dbSNP rs369891333, ClinGen allele CA489228806.

ClinVar aggregate classification (germline): Uncertain significance (1 of 4 stars; one submission).

Submission:

Labcorp Genetics (formerly Invitae), Labcorp
Classification: Uncertain significance. Last evaluated: 2024-10-28. Review status: criteria provided, single submitter. Criteria: Invitae Variant Classification Sherloc (09022015). Collection method: clinical testing. Allele origin: germline.
Comment: This sequence change affects codon 993 of the MAGEL2 mRNA. It is a 'silent' change, meaning that it does not change the encoded amino acid sequence of the MAGEL2 protein. This variant is not present in population databases (gnomAD no frequency). This variant has not been reported in the literature in individuals affected with MAGEL2-related conditions. In summary, the available evidence is currently insufficient to determine the role of this variant in disease. Therefore, it has been classified as a Variant of Uncertain Significance.